The following is an entry in ClinVar:

NM_000051.4(ATM):c.6475T>C (p.Cys2159Arg)

Genes: ATM (ATM serine/threonine kinase; plus strand), C11orf65 (chromosome 11 open reading frame 65; minus strand). Cytogenetic location: 11q22.3.
Variant type: single nucleotide variant.
Coding change: c.6475T>C on transcript NM_000051.4 (MANE Select); coding-DNA position 6475, T replaced by C.
Protein change: p.Cys2159Arg; replaces cysteine 2159 with arginine.
Molecular consequence: missense variant. On other transcripts: intron variant (2).
Genome position (GRCh38, 1-based): chr11:108,321,323, T>C. VCF-style: chr11-108321323-T-C. GRCh37 (hg19) VCF-style: chr11-108192050-T-C.
Other names: c.641-12252A>G (NM_001330368.2); c.*39-12252A>G (NM_001351110.2); c.6475T>C, p.Cys2159Arg (NM_001351834.2); short protein forms C2159R.
Identifiers: ClinVar variation 453630 (VCV000453630.13), dbSNP rs150408832, ClinGen allele CA382553929.

ClinVar aggregate classification (germline): Uncertain significance. Review status: criteria provided, multiple submitters, no conflicts (2 of 4 stars). 4 submissions from 4 submitters: Uncertain significance (4). Last evaluated 2024-04-25.

Conditions:
Hereditary cancer-predisposing syndrome. Also called: Neoplastic Syndromes, Hereditary; Hereditary Cancer Syndrome; Tumor predisposition; Hereditary neoplastic syndrome. Identifiers: Orphanet 140162, MedGen C0027672, MeSH D009386, MONDO:0015356.
Familial cancer of breast. Also called: Hereditary breast cancer; BREAST CANCER, FAMILIAL; hereditary breast carcinoma. Identifiers: Orphanet 227535, MedGen C0346153, MONDO:0016419, OMIM 114480. Disease mechanism: loss of function.
Ataxia-telangiectasia syndrome (AT). Also called: LOUIS-BAR SYNDROME; Cerebello-oculocutaneous telangiectasia; Immunodeficiency with ataxia telangiectasia; Ataxia-telangiectasia, complementation group D; AT, COMPLEMENTATION GROUP C; Ataxia-telangiectasia, complementation group E. Identifiers: Orphanet 100, MedGen C0004135, MONDO:0008840, OMIM 208900.

Submissions (4):

Ambry Genetics
Classification: Uncertain significance for Hereditary cancer-predisposing syndrome. Last evaluated: 2024-04-25. Review status: criteria provided, single submitter. Criteria: Ambry Variant Classification Scheme 2023. Collection method: clinical testing. Allele origin: germline.
Comment: The p.C2159R variant (also known as c.6475T>C), located in coding exon 44 of the ATM gene, results from a T to C substitution at nucleotide position 6475. The cysteine at codon 2159 is replaced by arginine, an amino acid with highly dissimilar properties. This amino acid position is highly conserved in available vertebrate species. In addition, the in silico prediction for this alteration is inconclusive. Since supporting evidence is limited at this time, the clinical significance of this alteration remains unclear.

Baylor Genetics
Classification: Uncertain significance for Familial cancer of breast. Last evaluated: 2023-11-12. Review status: criteria provided, single submitter. Criteria: ACMG Guidelines, 2015. Collection method: clinical testing. Allele origin: unknown.

Labcorp Genetics (formerly Invitae), Labcorp
Classification: Uncertain significance for Ataxia-telangiectasia syndrome. Last evaluated: 2018-05-19. Review status: criteria provided, single submitter. Criteria: Invitae Variant Classification Sherloc (09022015). Collection method: clinical testing. Allele origin: germline.
Comment: This sequence change replaces cysteine with arginine at codon 2159 of the ATM protein (p.Cys2159Arg). The cysteine residue is moderately conserved and there is a large physicochemical difference between cysteine and arginine. This variant is not present in population databases (ExAC no frequency). This variant has not been reported in the literature in individuals with ATM-related disease. ClinVar contains an entry for this variant (Variation ID: 453630). Algorithms developed to predict the effect of missense changes on protein structure and function are either unavailable or do not agree on the potential impact of this missense change (SIFT: "Deleterious"; PolyPhen-2: "Benign"; Align-GVGD: "Class C0"). In summary, the available evidence is currently insufficient to determine the role of this variant in disease. Therefore, it has been classified as a Variant of Uncertain Significance.

Neuberg Centre For Genomic Medicine, NCGM
Classification: Uncertain significance for Familial cancer of breast. Review status: criteria provided, single submitter. Criteria: ACMG Guidelines, 2015. Collection method: clinical testing. Allele origin: germline. Inheritance: Autosomal dominant inheritance. Affected: yes.
Comment: The missense variant c.6475T>C (p.Cys2159Arg) in ATM gene has not been reported previously as a pathogenic variant nor as a benign variant, to our knowledge. This variant has been reported to the ClinVar database as Uncertain Significance. The p.Cys2159Arg variant is novel (not in any individuals) in gnomAD Exomes and 1000 Genomes. The amino acid Cys at position 2159 is changed to a Arg changing protein sequence and it might alter its composition and physico-chemical properties. For these reasons, this variant has been classified as Uncertain Significance .